The following is an entry in ClinVar:

NM_138386.3(NAF1):c.1335A>G (p.Pro445=)

Gene: NAF1 (nuclear assembly factor 1 ribonucleoprotein; minus strand). Cytogenetic location: 4q32.2.
Variant type: single nucleotide variant.
Coding change: c.1335A>G on transcript NM_138386.3 (MANE Select); coding-DNA position 1335, A replaced by G.
Protein change: p.Pro445=; no amino-acid change (proline 445 retained).
Molecular consequence: synonymous variant. On other transcripts: intron variant (1).
Genome position (GRCh38, 1-based): chr4:163,129,047, T>C on the plus strand (A>G on the coding strand, the complement: NAF1 is on the minus strand). VCF-style: chr4-163129047-T-C. GRCh37 (hg19) VCF-style: chr4-164050199-T-C.
Other names: c.1034-1932A>G (NM_001128931.2).
Identifiers: ClinVar variation 3029121 (VCV003029121.2), dbSNP rs1278724671, ClinGen allele CA442271248.

ClinVar aggregate classification (germline): Likely benign (0 of 4 stars; one submission).

Conditions:
NAF1-related disorder. Also called: NAF1-related condition.

Submission:

PreventionGenetics, part of Exact Sciences
Classification: Likely benign for NAF1-related condition. Last evaluated: 2021-12-28. Review status: no assertion criteria provided. Collection method: clinical testing. Allele origin: germline.
Comment: This variant is classified as likely benign based on ACMG/AMP sequence variant interpretation guidelines (Richards et al. 2015 PMID: 25741868, with internal and published modifications).